The following is an entry in ClinVar:

ClinVar aggregate classification (germline): Uncertain significance (1 of 4 stars; one submission).

Conditions:
KMT2D-related disorder. Also called: KMT2D-Related Disorders.

gnomAD v4.1: 1 of 1,610,642 alleles (0.000062%); highest among the groups gnomAD compares: African/African-American, 0.0013%; no homozygotes.

Submission:

PreventionGenetics, part of Exact Sciences
Classification: Uncertain significance for KMT2D-related condition. Last evaluated: 2025-09-14. Review status: criteria provided, single submitter. Criteria: ACMG Guidelines, 2015. Collection method: clinical testing. Allele origin: germline.
Comment: The KMT2D c.8911A>G variant is predicted to result in the amino acid substitution p.Thr2971Ala. To our knowledge, this variant has not been reported in the literature. This variant is reported in 0.0065% of alleles in individuals of African descent in gnomAD. At this time, the clinical significance of this variant is uncertain due to the absence of conclusive functional and genetic evidence.

NM_003482.4(KMT2D):c.8911A>G (p.Thr2971Ala)

Gene: KMT2D (lysine methyltransferase 2D; minus strand). Cytogenetic location: 12q13.12.
Variant type: single nucleotide variant.
Coding change: c.8911A>G on transcript NM_003482.4 (MANE Select); coding-DNA position 8911, A replaced by G.
Protein change: p.Thr2971Ala; replaces threonine 2971 with alanine.
Molecular consequence: missense variant.
Genome position (GRCh38, 1-based): chr12:49,038,445, T>C on the plus strand (A>G on the coding strand, the complement: KMT2D is on the minus strand). VCF-style: chr12-49038445-T-C. GRCh37 (hg19) VCF-style: chr12-49432228-T-C.
Other names: short protein forms T2971A.
Identifiers: ClinVar variation 4987034 (VCV004987034.1).
Genomic context (GRCh38, chr12:49,038,445, plus strand): 5'-GATCCTCACAGGGCAACTTCCCAGCTTCCAGGGCCAGAGGATTGGGGCGGCCAAGCTCAG[T>C]GCTCGACGGGGGCCGGTTGACCAGCTCCAAACCAGTTGGCAGGGTAGGACCCTTGGTGTG-3'
Protein context (NP_003473.3, residues 2961-2981): LELVNRPPSS[Thr2971Ala]ELGRPNPLAL